The following is an entry in ClinVar:

NM_080916.3(DGUOK):c.-5G>A

Gene: DGUOK (deoxyguanosine kinase; plus strand). Cytogenetic location: 2p13.1.
Variant type: single nucleotide variant.
Coding change: c.-5G>A on transcript NM_080916.3 (MANE Select); 5 bases upstream of the start codon, G replaced by A.
Molecular consequence: 5 prime UTR variant. On other transcripts: non-coding transcript variant (6).
Genome position (GRCh38, 1-based): chr2:73,926,906, G>A. VCF-style: chr2-73926906-G-A. GRCh37 (hg19) VCF-style: chr2-74154033-G-A.
Other names: c.-5G>A (NM_001318859.2, NM_080918.3); c.-183G>A (NM_001318860.2, NM_001318863.2); c.-269G>A (NM_001318861.2, NM_001318862.2).
Identifiers: ClinVar variation 3044817 (VCV003044817.2), dbSNP rs756028511, ClinGen allele CA1718114.

ClinVar aggregate classification (germline): Likely benign (0 of 4 stars; one submission).

Conditions:
DGUOK-related disorder. Also called: DGUOK-related condition.

Allele frequency attached by ClinVar (database versions not stated): TOPMed below 0.00001; ExAC 0.00001.
gnomAD v4.1: 2 of 1,613,372 alleles (0.00012%); highest among the groups gnomAD compares: Non-Finnish European, 0.00017%; no homozygotes.

Submission:

PreventionGenetics, part of Exact Sciences
Classification: Likely benign for DGUOK-related condition. Last evaluated: 2023-02-21. Review status: no assertion criteria provided. Collection method: clinical testing. Allele origin: germline.
Comment: This variant is classified as likely benign based on ACMG/AMP sequence variant interpretation guidelines (Richards et al. 2015 PMID: 25741868, with internal and published modifications).